The following is an entry in ClinVar:

ClinVar aggregate classification (germline): Uncertain significance (1 of 4 stars; one submission).

Allele frequency attached by ClinVar (database versions not stated): ExAC 0.00014; TOPMed 0.00042; ESP Exome Variant Server 0.00054.
gnomAD v4.1: 107 of 1,613,142 alleles (0.0066%); highest among the groups gnomAD compares: African/African-American, 0.12%; no homozygotes.

Submission:

Labcorp Genetics (formerly Invitae), Labcorp
Classification: Uncertain significance. Last evaluated: 2025-11-19. Review status: criteria provided, single submitter. Criteria: Invitae Variant Classification Sherloc (09022015). Collection method: clinical testing. Allele origin: germline.
Comment: This sequence change replaces glutamine, which is neutral and polar, with histidine, which is basic and polar, at codon 95 of the ANGPT1 protein (p.Gln95His). This variant is present in population databases (rs141470954, gnomAD 0.1%), and has an allele count higher than expected for a pathogenic variant. This variant has not been reported in the literature in individuals affected with ANGPT1-related conditions. ClinVar contains an entry for this variant (Variation ID: 1403032). An algorithm developed to predict the effect of missense changes on protein structure and function (PolyPhen-2) suggests that this variant is likely to be disruptive. In summary, the available evidence is currently insufficient to determine the role of this variant in disease. Therefore, it has been classified as a Variant of Uncertain Significance.

NM_001146.5(ANGPT1):c.285G>C (p.Gln95His)

Gene: ANGPT1 (angiopoietin 1; minus strand). Cytogenetic location: 8q23.1.
Variant type: single nucleotide variant.
Coding change: c.285G>C on transcript NM_001146.5 (MANE Select); coding-DNA position 285, G replaced by C.
Protein change: p.Gln95His; replaces glutamine 95 with histidine.
Molecular consequence: missense variant.
Genome position (GRCh38, 1-based): chr8:107,497,274, C>G on the plus strand (G>C on the coding strand, the complement: ANGPT1 is on the minus strand). VCF-style: chr8-107497274-C-G. GRCh37 (hg19) VCF-style: chr8-108509502-C-G.
Other names: c.285G>C, p.Gln95His (NM_001199859.3); short protein forms Q95H.
Identifiers: ClinVar variation 1403032 (VCV001403032.6), dbSNP rs141470954, ClinGen allele CA4841413.